The following is an entry in ClinVar:

NM_000088.3(COL1A1):c.545delG

Gene: COL1A1 (collagen type I alpha 1 chain; minus strand). Cytogenetic location: 17q21.33.
Variant type: Deletion.
Coding change: c.545delG on transcript NM_000088.3; coding-DNA position 545, one base deleted (G).
Genome position (GRCh38, 1-based): chr17:50,198,204, C deleted on the plus strand (G on the coding strand, the reverse complement: COL1A1 is on the minus strand); the first of 3 consecutive C bases (chr17:50,198,204-50,198,206); deleting any one gives the same sequence. VCF-style (leftmost placement, unchanged base first): chr17-50198203-AC-A. GRCh37 (hg19) VCF-style: chr17-48275564-AC-A.
Identifiers: ClinVar variation 870107 (VCV000870107.4), dbSNP rs1907770102, ClinGen allele CA1139665712.

ClinVar aggregate classification (germline): Pathogenic (1 of 4 stars; one submission).

Conditions:
Osteogenesis imperfecta (OI). Identifiers: Orphanet 666, MedGen C0029434, MeSH D010013, MONDO:0019019.

Submission:

Genetics Department, Polish Mother's Memorial Hospital Research Institute
Classification: Pathogenic for Osteogenesis imperfecta. Last evaluated: 2020-04-06. Review status: criteria provided, single submitter. Criteria: ACMG Guidelines, 2015. Collection method: research. Allele origin: maternal. Affected: yes. Observed: 4 variant alleles.
Comment: Further analysis showed relationship between these two families. Both patients and their mothers present features of Osteogenesis imperfecta.